The following is an entry in ClinVar:

ClinVar aggregate classification (germline): Uncertain significance (1 of 4 stars; one submission).

Conditions:
Neuroblastoma, susceptibility to, 3. Also called: ALK-Related Neuroblastic Tumor Susceptibility. Identifiers: Orphanet 635, MedGen C2751681, MONDO:0013083, OMIM 613014.

Submission:

Labcorp Genetics (formerly Invitae), Labcorp
Classification: Uncertain significance for Neuroblastoma, susceptibility to, 3. Last evaluated: 2023-11-24. Review status: criteria provided, single submitter. Criteria: Invitae Variant Classification Sherloc (09022015). Collection method: clinical testing. Allele origin: germline.
Comment: This sequence change replaces aspartic acid, which is acidic and polar, with asparagine, which is neutral and polar, at codon 998 of the ALK protein (p.Asp998Asn). This variant is not present in population databases (gnomAD no frequency). This variant has not been reported in the literature in individuals affected with ALK-related conditions. An algorithm developed to predict the effect of missense changes on protein structure and function (PolyPhen-2) suggests that this variant is likely to be tolerated. In summary, the available evidence is currently insufficient to determine the role of this variant in disease. Therefore, it has been classified as a Variant of Uncertain Significance.

NM_004304.5(ALK):c.2992G>A (p.Asp998Asn)

Gene: ALK (ALK receptor tyrosine kinase; minus strand). Cytogenetic location: 2p23.2.
Variant type: single nucleotide variant.
Coding change: c.2992G>A on transcript NM_004304.5 (MANE Select); coding-DNA position 2992, G replaced by A.
Protein change: p.Asp998Asn; replaces aspartic acid 998 with asparagine.
Molecular consequence: missense variant.
Genome position (GRCh38, 1-based): chr2:29,226,997, C>T on the plus strand (G>A on the coding strand, the complement: ALK is on the minus strand). VCF-style: chr2-29226997-C-T. GRCh37 (hg19) VCF-style: chr2-29449863-C-T.
Other names: short protein forms D998N.
Identifiers: ClinVar variation 2899670 (VCV002899670.3), dbSNP rs1664020779, ClinGen allele CA346467697.